The following is an entry in ClinVar:

ClinVar aggregate classification (germline): Uncertain significance (1 of 4 stars; one submission).

Submission:

Greenwood Genetic Center Diagnostic Laboratories, Greenwood Genetic Center
Classification: Uncertain significance. Last evaluated: 2024-11-19. Review status: criteria provided, single submitter. Criteria: ACMG Guidelines, 2015. Collection method: clinical testing. Allele origin: germline. Affected: yes.
Comment: PM2, PP2

NM_001127222.2(CACNA1A):c.1307A>G (p.Glu436Gly)

Gene: CACNA1A (calcium voltage-gated channel subunit alpha1 A; minus strand). Cytogenetic location: 19p13.13.
Variant type: single nucleotide variant.
Coding change: c.1307A>G on transcript NM_001127222.2 (MANE Select); coding-DNA position 1307, A replaced by G.
Protein change: p.Glu436Gly; replaces glutamic acid 436 with glycine.
Molecular consequence: missense variant.
Genome position (GRCh38, 1-based): chr19:13,330,282, T>C on the plus strand (A>G on the coding strand, the complement: CACNA1A is on the minus strand). VCF-style: chr19-13330282-T-C. GRCh37 (hg19) VCF-style: chr19-13441096-T-C.
Other names: c.1310A>G, p.Glu437Gly (NM_000068.4, NM_001127221.2, NM_001174080.2 and 1 more transcripts); short protein forms E436G, E437G.
Identifiers: ClinVar variation 3765772 (VCV003765772.1).
Genomic context (GRCh38, chr19:13,330,282, plus strand): 5'-GGTGGCAGAGGAAGGGACTCACCCACAGAGGCTATATCAGCCAGCTGATCCTCAGCCTCT[T>C]CGGGGTTGAGCAAATCTGTCTTGCTTTTCTTTATGGTGGTTCTCCGCAGAGCTCCAACAA-3'
Protein context (NP_001120694.1, residues 426-446): KKSKTDLLNP[Glu436Gly]EAEDQLADIA